The following is an entry in ClinVar:

ClinVar aggregate classification (germline): Uncertain significance (1 of 4 stars; one submission).

Submission:

Ambry Genetics
Classification: Uncertain significance. Last evaluated: 2024-07-30. Review status: criteria provided, single submitter. Criteria: Ambry Variant Classification Scheme 2023. Collection method: clinical testing. Allele origin: germline.
Comment: The p.I442N variant (also known as c.1325T>A), located in coding exon 13 of the NPAT gene, results from a T to A substitution at nucleotide position 1325. The isoleucine at codon 442 is replaced by asparagine, an amino acid with dissimilar properties. This amino acid position is conserved. In addition, this alteration is predicted to be tolerated by in silico analysis. Based on the available evidence, the clinical significance of this variant remains unclear.

NM_002519.3(NPAT):c.1325T>A (p.Ile442Asn)

Gene: NPAT (nuclear protein, coactivator of histone transcription; minus strand). Cytogenetic location: 11q22.3.
Variant type: single nucleotide variant.
Coding change: c.1325T>A on transcript NM_002519.3 (MANE Select); coding-DNA position 1325, T replaced by A.
Protein change: p.Ile442Asn; replaces isoleucine 442 with asparagine.
Molecular consequence: missense variant.
Genome position (GRCh38, 1-based): chr11:108,173,659, A>T on the plus strand (T>A on the coding strand, the complement: NPAT is on the minus strand). VCF-style: chr11-108173659-A-T. GRCh37 (hg19) VCF-style: chr11-108044386-A-T.
Other names: c.1325T>A, p.Ile442Asn (NM_001321307.1); short protein forms I442N.
Identifiers: ClinVar variation 3407181 (VCV003407181.1).
Genomic context (GRCh38, chr11:108,173,659, plus strand): 5'-TCAGCATTAGAATTCCCTCTTTGGTTAAAGTCATTCAAATTAGGCACGGACTCAAAGGTA[A>T]TGTCAATGTCACACTTCTGTTCAGTGGGTACAGCTGTTTTAAAGGCCTTTTTCTGTATGC-3'
Protein context (NP_002510.2, residues 432-452): VPTEQKCDID[Ile442Asn]TFESVPNLND